The following is an entry in ClinVar:

NM_001080413.3(NOBOX):c.66T>C (p.Asp22=)

Gene: NOBOX (NOBOX oogenesis homeobox; minus strand). Cytogenetic location: 7q35.
Variant type: single nucleotide variant.
Coding change: c.66T>C on transcript NM_001080413.3; coding-DNA position 66, T replaced by C.
Protein change: p.Asp22=; no amino-acid change (aspartic acid 22 retained).
Genome position (GRCh38, 1-based): chr7:144,410,162, A>G on the plus strand (T>C on the coding strand, the complement: NOBOX is on the minus strand). VCF-style: chr7-144410162-A-G. GRCh37 (hg19) VCF-style: chr7-144107255-A-G.
Other names: NM_001080413.3:c.66T>C.
Identifiers: ClinVar variation 359159 (VCV000359159.6), dbSNP rs138463368, ClinGen allele CA4544984.
Genomic context (GRCh38, chr7:144,410,162, plus strand): 5'-GTGCTCACAATTTTGCTGTTGCTTCCAGGACATGAGCTCACCCTCCTGGGCTTTGAAGCC[A>G]TCCTTGTCTCTGGTGTCCCAGGTACCCTCCAGGTCTGGTGATGTTAGTGTCAAAAGGAGA-3'

ClinVar aggregate classification (germline): Benign. Review status: criteria provided, multiple submitters, no conflicts (2 of 4 stars). 3 submissions from 3 submitters: Benign (3). Last evaluated 2018-01-13.

Conditions:
Premature ovarian failure 5 (POF5). Identifiers: MedGen C1969060, MONDO:0012689, OMIM 611548.

Allele frequency attached by ClinVar (database versions not stated): ExAC 0.01022; gnomAD exomes 0.00549 and 0.00490; 1000 Genomes Project 30x 0.01077; 1000 Genomes Project 0.01058; gnomAD 0.01148 and 0.01110; ESP Exome Variant Server 0.01275; TOPMed 0.01296.
gnomAD v4.1: 8,804 of 1,568,248 alleles (0.56%); highest among the groups gnomAD compares: African/African-American, 2.7%; 66 homozygotes.

Submissions (3):

Illumina Laboratory Services, Illumina
Classification: Benign for Premature ovarian failure 5. Last evaluated: 2018-01-13. Review status: criteria provided, single submitter. Criteria: ICSL Variant Classification Criteria 13 December 2019. Collection method: clinical testing. Allele origin: germline.
Comment: This variant was observed in the ICSL laboratory as part of a predisposition screen in an ostensibly healthy population. It had not been previously curated by ICSL or reported in the Human Gene Mutation Database (HGMD: prior to June 1st, 2018), and was therefore a candidate for classification through an automated scoring system. Utilizing variant allele frequency, disease prevalence and penetrance estimates, and inheritance mode, an automated score was calculated to assess if this variant is too frequent to cause the disease. Based on the score and internal cut-off values, a variant classified as benign is not then subjected to further curation. The score for this variant resulted in a classification of benign for this disease.

GeneDx
Classification: Benign. Last evaluated: 2016-01-12. Review status: criteria provided, single submitter. Criteria: GeneDx Variant Classification (06012015). Collection method: clinical testing. Allele origin: germline. Affected: yes.
Comment: This variant is considered likely benign or benign based on one or more of the following criteria: it is a conservative change, it occurs at a poorly conserved position in the protein, it is predicted to be benign by multiple in silico algorithms, and/or has population frequency not consistent with disease.

Breakthrough Genomics
Classification: Benign. Review status: criteria provided, single submitter. Criteria: ACMG Guidelines, 2015. Collection method: not provided. Allele origin: germline. Inheritance: Autosomal dominant inheritance. Affected: yes.